The following is an entry in ClinVar:

ClinVar aggregate classification (germline): Uncertain significance (1 of 4 stars; one submission).

Conditions:
KMT2C-related disorder. Also called: KMT2C-related condition; KMT2C-related disorders.

Submission:

PreventionGenetics, part of Exact Sciences
Classification: Uncertain significance for KMT2C-related condition. Last evaluated: 2026-01-28. Review status: criteria provided, single submitter. Criteria: ACMG Guidelines, 2015. Collection method: clinical testing. Allele origin: germline.
Comment: The KMT2C c.14600A>G variant is predicted to result in the amino acid substitution p.Lys4867Arg. To our knowledge, this variant has not been reported in the literature or in a large population database (gnomAD), indicating this variant is rare. At this time, the clinical significance of this variant is uncertain due to the absence of conclusive functional and genetic evidence.

NM_170606.3(KMT2C):c.14600A>G (p.Lys4867Arg)

Gene: KMT2C (lysine methyltransferase 2C; minus strand). Cytogenetic location: 7q36.1.
Variant type: single nucleotide variant.
Coding change: c.14600A>G on transcript NM_170606.3 (MANE Select); coding-DNA position 14600, A replaced by G.
Protein change: p.Lys4867Arg; replaces lysine 4867 with arginine.
Molecular consequence: missense variant.
Genome position (GRCh38, 1-based): chr7:152,138,839, T>C on the plus strand (A>G on the coding strand, the complement: KMT2C is on the minus strand). VCF-style: chr7-152138839-T-C. GRCh37 (hg19) VCF-style: chr7-151835924-T-C.
Other names: short protein forms K4867R.
Identifiers: ClinVar variation 4992025 (VCV004992025.1).